The following is an entry in ClinVar:

ClinVar aggregate classification (germline): Uncertain significance (1 of 4 stars; one submission).

Allele frequency attached by ClinVar (database versions not stated): gnomAD exomes below 0.00001; gnomAD 0.00001 and 0.00002; TOPMed 0.00003.
gnomAD v4.1: 32 of 1,613,800 alleles (0.002%); highest among the groups gnomAD compares: Middle Eastern, 0.033%; 1 homozygote.

Submission:

Labcorp Genetics (formerly Invitae), Labcorp
Classification: Uncertain significance. Last evaluated: 2021-12-03. Review status: criteria provided, single submitter. Criteria: Invitae Variant Classification Sherloc (09022015). Collection method: clinical testing. Allele origin: germline.
Comment: In summary, the available evidence is currently insufficient to determine the role of this variant in disease. Therefore, it has been classified as a Variant of Uncertain Significance. Algorithms developed to predict the effect of missense changes on protein structure and function (SIFT, PolyPhen-2, Align-GVGD) all suggest that this variant is likely to be tolerated. This variant has not been reported in the literature in individuals affected with OBSL1-related conditions. This variant is present in population databases (no rsID available, gnomAD 0.003%). This sequence change replaces proline, which is neutral and non-polar, with leucine, which is neutral and non-polar, at codon 469 of the OBSL1 protein (p.Pro469Leu).

NM_015311.3(OBSL1):c.1406C>T (p.Pro469Leu)

Gene: OBSL1 (obscurin like cytoskeletal adaptor 1; minus strand). Cytogenetic location: 2q35.
Variant type: single nucleotide variant.
Coding change: c.1406C>T on transcript NM_015311.3 (MANE Select); coding-DNA position 1406, C replaced by T.
Protein change: p.Pro469Leu; replaces proline 469 with leucine.
Molecular consequence: missense variant.
Genome position (GRCh38, 1-based): chr2:219,567,846, G>A on the plus strand (C>T on the coding strand, the complement: OBSL1 is on the minus strand). VCF-style: chr2-219567846-G-A. GRCh37 (hg19) VCF-style: chr2-220432568-G-A.
Other names: c.1406C>T, p.Pro469Leu (NM_001173408.2, NM_001173431.2); short protein forms P469L.
Identifiers: ClinVar variation 1494282 (VCV001494282.4), dbSNP rs996195414, ClinGen allele CA66037510.